The following is an entry in ClinVar:

ClinVar aggregate classification (germline): Conflicting classifications of pathogenicity. Review status: criteria provided, conflicting classifications (1 of 4 stars). 3 submissions from 3 submitters: Uncertain significance (2); Likely benign (1). Last evaluated 2025-03-14.

Conditions:
Hereditary cancer-predisposing syndrome. Also called: Tumor predisposition; Hereditary neoplastic syndrome; Hereditary Cancer Syndrome; Neoplastic Syndromes, Hereditary. Identifiers: Orphanet 140162, MedGen C0027672, MeSH D009386, MONDO:0015356.
Hereditary breast ovarian cancer syndrome. Also called: Hereditary breast and ovarian cancer; Breast and ovarian cancer; BRCA1- and BRCA2-Associated Hereditary Breast and Ovarian Cancer; Hereditary breast and/or ovarian cancer syndrome; Hereditary breast and ovarian cancer syndrome; Hereditary breast and ovarian cancer syndrome (HBOC). Identifiers: Orphanet 145, MedGen C0677776, MeSH D061325, MONDO:0003582. Disease mechanism: loss of function.

Submissions (3):

Labcorp Genetics (formerly Invitae), Labcorp
Classification: Uncertain significance for Hereditary breast ovarian cancer syndrome. Last evaluated: 2025-03-14. Review status: criteria provided, single submitter. Criteria: Invitae Variant Classification Sherloc (09022015). Collection method: clinical testing. Allele origin: germline.
Comment: This sequence change replaces serine, which is neutral and polar, with phenylalanine, which is neutral and non-polar, at codon 2056 of the BRCA2 protein (p.Ser2056Phe). This variant is not present in population databases (gnomAD no frequency). This variant has not been reported in the literature in individuals affected with BRCA2-related conditions. ClinVar contains an entry for this variant (Variation ID: 1462676). Invitae Evidence Modeling of protein sequence and biophysical properties (such as structural, functional, and spatial information, amino acid conservation, physicochemical variation, residue mobility, and thermodynamic stability) indicates that this missense variant is not expected to disrupt BRCA2 protein function with a negative predictive value of 95%. In summary, the available evidence is currently insufficient to determine the role of this variant in disease. Therefore, it has been classified as a Variant of Uncertain Significance.

University of Washington Department of Laboratory Medicine, University of Washington
Classification: Likely benign for Hereditary cancer-predisposing syndrome. Last evaluated: 2023-03-23. Review status: criteria provided, single submitter. Criteria: Dines et al. (Genet Med. 2020). Collection method: curation. Allele origin: germline.
Comment: Missense variant in a coldspot region where missense variants are very unlikely to be pathogenic (PMID:31911673).

BRCA2 exon 11 coldspot. Reclassification based on statistical prior probability.

Ambry Genetics
Classification: Uncertain significance for Hereditary cancer-predisposing syndrome. Last evaluated: 2022-07-12. Review status: criteria provided, single submitter. Criteria: Ambry Variant Classification Scheme 2023. Collection method: clinical testing. Allele origin: germline.
Comment: The p.S2056F variant (also known as c.6167C>T), located in coding exon 10 of the BRCA2 gene, results from a C to T substitution at nucleotide position 6167. The serine at codon 2056 is replaced by phenylalanine, an amino acid with highly dissimilar properties. This amino acid position is not well conserved in available vertebrate species. In addition, the in silico prediction for this alteration is inconclusive. Since supporting evidence is limited at this time, the clinical significance of this alteration remains unclear.

NM_000059.4(BRCA2):c.6167C>T (p.Ser2056Phe)

Gene: BRCA2 (BRCA2 DNA repair associated; plus strand). Cytogenetic location: 13q13.1.
Variant type: single nucleotide variant.
Coding change: c.6167C>T on transcript NM_000059.4 (MANE Select); coding-DNA position 6167, C replaced by T.
Protein change: p.Ser2056Phe; replaces serine 2056 with phenylalanine.
Molecular consequence: missense variant.
Genome position (GRCh38, 1-based): chr13:32,340,522, C>T. VCF-style: chr13-32340522-C-T. GRCh37 (hg19) VCF-style: chr13-32914659-C-T.
Other names: short protein forms S2056F.
Identifiers: ClinVar variation 1462676 (VCV001462676.11), dbSNP rs2137524924, ClinGen allele CA387788349.
Genomic context (GRCh38, chr13:32,340,522, plus strand): 5'-CAGAACATTTAATATCCCAAAAAGGCTTTTCATATAATGTGGTAAATTCATCTGCTTTCT[C>T]TGGATTTAGTACAGCAAGTGGAAAGCAAGTTTCCATTTTAGAAAGTTCCTTACACAAAGT-3'
Protein context (NP_000050.3, residues 2046-2066): SYNVVNSSAF[Ser2056Phe]GFSTASGKQV